The following is an entry in ClinVar:

NM_013352.4(DSE):c.2242C>T (p.His748Tyr)

Gene: DSE (dermatan sulfate epimerase; plus strand). Cytogenetic location: 6q22.1.
Variant type: single nucleotide variant.
Coding change: c.2242C>T on transcript NM_013352.4 (MANE Select); coding-DNA position 2242, C replaced by T.
Protein change: p.His748Tyr; replaces histidine 748 with tyrosine.
Molecular consequence: missense variant. On other transcripts: 3 prime UTR variant (2), non-coding transcript variant (1).
Genome position (GRCh38, 1-based): chr6:116,436,710, C>T. VCF-style: chr6-116436710-C-T. GRCh37 (hg19) VCF-style: chr6-116757873-C-T.
Other names: c.2242C>T, p.His748Tyr (NM_001080976.3, NM_001322937.2, NM_001322938.2); c.2299C>T, p.His767Tyr (NM_001322939.2); c.1681C>T, p.His561Tyr (NM_001322940.2, NM_001322941.2); c.*1107C>T (NM_001322943.2, NM_001322944.2); c.1243C>T, p.His415Tyr (NM_001374520.1); c.1207C>T, p.His403Tyr (NM_001374521.1); short protein forms H403Y, H415Y, H561Y, H767Y, H748Y.
Identifiers: ClinVar variation 1435960 (VCV001435960.5), dbSNP rs770096528, ClinGen allele CA3969786.
Genomic context (GRCh38, chr6:116,436,710, plus strand): 5'-AAGAGCAGCATTGTCCCTGAGGTGAAGGACTATGCTGCTATTGTGGAACAGAACTTGCAG[C>T]ATTTTAAACCAGTGTTTCAGCTGCTGGAGAAGCAGATACTGTCCCGAGTCCGGAACACAG-3'
Protein context (NP_037484.1, residues 738-758): YAAIVEQNLQ[His748Tyr]FKPVFQLLEK

ClinVar aggregate classification (germline): Uncertain significance. Review status: criteria provided, multiple submitters, no conflicts (2 of 4 stars). 2 submissions from 2 submitters: Uncertain significance (2). Last evaluated 2024-11-14.

Conditions:
Ehlers-Danlos syndrome, musculocontractural type 2 (EDSMC2). Identifiers: Orphanet 2953, MedGen C3809845, MONDO:0014236, OMIM 615539.

Allele frequency attached by ClinVar (database versions not stated): TOPMed 0.00001; gnomAD exomes 0.00002 and 0.00005; gnomAD 0.00003 and 0.00004; ExAC 0.00008.
gnomAD v4.1: 38 of 1,614,032 alleles (0.0024%); highest among the groups gnomAD compares: Admixed American, 0.0017%; no homozygotes.

Submissions (2):

Blueprint Genetics
Classification: Uncertain significance. Last evaluated: 2024-11-14. Review status: criteria provided, single submitter. Criteria: ACMG Guidelines, 2015. Collection method: clinical testing. Allele origin: germline.

Labcorp Genetics (formerly Invitae), Labcorp
Classification: Uncertain significance for Ehlers-Danlos syndrome, musculocontractural type 2. Last evaluated: 2021-11-03. Review status: criteria provided, single submitter. Criteria: Invitae Variant Classification Sherloc (09022015). Collection method: clinical testing. Allele origin: germline.
Comment: In summary, the available evidence is currently insufficient to determine the role of this variant in disease. Therefore, it has been classified as a Variant of Uncertain Significance. Algorithms developed to predict the effect of missense changes on protein structure and function are either unavailable or do not agree on the potential impact of this missense change (SIFT: "Not Available"; PolyPhen-2: "Benign"; Align-GVGD: "Not Available"). This variant has not been reported in the literature in individuals affected with DSE-related conditions. This variant is present in population databases (rs770096528, gnomAD 0.03%). This sequence change replaces histidine, which is basic and polar, with tyrosine, which is neutral and polar, at codon 748 of the DSE protein (p.His748Tyr).